The following is an entry in ClinVar:

NM_003002.4(SDHD):c.37G>T (p.Ala13Ser)

Genes: SDHD (succinate dehydrogenase complex subunit D; plus strand), LOC126861339 (BRD4-independent group 4 enhancer GRCh37_chr11:111957035-111958234; plus strand). Cytogenetic location: 11q23.1.
Variant type: single nucleotide variant.
Coding change: c.37G>T on transcript NM_003002.4 (MANE Select); coding-DNA position 37, G replaced by T.
Protein change: p.Ala13Ser; replaces alanine 13 with serine.
Molecular consequence: missense variant. On other transcripts: non-coding transcript variant (1).
Genome position (GRCh38, 1-based): chr11:112,086,944, G>T. VCF-style: chr11-112086944-G-T. GRCh37 (hg19) VCF-style: chr11-111957668-G-T.
Other names: c.37G>T, p.Ala13Ser (NM_001276503.2, NM_001276504.2, NM_001276506.2); short protein forms A13S.
Identifiers: ClinVar variation 533789 (VCV000533789.18), dbSNP rs940936212, ClinGen allele CA228550401.
Genomic context (GRCh38, chr11:112,086,944, plus strand): 5'-TGACCTTGAGCCCTCAGGAACGAGATGGCGGTTCTCTGGAGGCTGAGTGCCGTTTGCGGT[G>T]CCCTAGGAGGCCGAGGTGAGGGGTCTTCCCACCCTGAGGTGCTTAGCGTAGCCTCCAGCC-3'
Protein context (NP_002993.1, residues 3-23): VLWRLSAVCG[Ala13Ser]LGGRALLLRT

ClinVar aggregate classification (germline): Uncertain significance. Review status: criteria provided, multiple submitters, no conflicts (2 of 4 stars). 4 submissions from 4 submitters: Uncertain significance (4). Last evaluated 2025-12-14.

Conditions:
Carney-Stratakis syndrome. Also called: PARAGANGLIOMA AND GASTROINTESTINAL STROMAL TUMOR. Identifiers: Orphanet 97286, MedGen C1847319, MONDO:0011740, OMIM 606864.
Paragangliomas with sensorineural hearing loss. Identifiers: MedGen C1868633.
Cowden syndrome 3 (CWS3). Identifiers: Orphanet 201, MedGen CN166604, MONDO:0014045.
Pheochromocytoma. Also called: MAX-Related Hereditary Paraganglioma-Pheochromocytoma Syndrome. Identifiers: Orphanet 29072, MedGen C0031511, MONDO:0008233, OMIM 171300, HP:0002666.
Hereditary cancer-predisposing syndrome. Also called: Neoplastic Syndromes, Hereditary; Hereditary Cancer Syndrome; Tumor predisposition; Hereditary neoplastic syndrome. Identifiers: Orphanet 140162, MedGen C0027672, MeSH D009386, MONDO:0015356.
Hereditary pheochromocytoma and paraganglioma. Also called: Hereditary Paraganglioma-Pheochromocytoma Syndromes; Hereditary paragangliomas and pheochromocytomas; Hereditary pheochromocytoma-paraganglioma. Identifiers: Orphanet 29072, MedGen C4274332, MONDO:0017366.

Allele frequency attached by ClinVar (database versions not stated): TOPMed 0.00001.
gnomAD v4.1: 1 of 1,614,176 alleles (0.000062%); no homozygotes.

Submissions (4):

Labcorp Genetics (formerly Invitae), Labcorp
Classification: Uncertain significance for Carney-Stratakis syndrome; Paragangliomas with sensorineural hearing loss; Pheochromocytoma; Cowden syndrome 3. Last evaluated: 2025-12-14. Review status: criteria provided, single submitter. Criteria: Invitae Variant Classification Sherloc (09022015). Collection method: clinical testing. Allele origin: germline.
Comment: This sequence change replaces alanine, which is neutral and non-polar, with serine, which is neutral and polar, at codon 13 of the SDHD protein (p.Ala13Ser). This variant is not present in population databases (gnomAD no frequency). This variant has not been reported in the literature in individuals affected with SDHD-related conditions. ClinVar contains an entry for this variant (Variation ID: 533789). Invitae Evidence Modeling of protein sequence and biophysical properties (such as structural, functional, and spatial information, amino acid conservation, physicochemical variation, residue mobility, and thermodynamic stability) indicates that this missense variant is not expected to disrupt SDHD protein function with a negative predictive value of 95%. In summary, the available evidence is currently insufficient to determine the role of this variant in disease. Therefore, it has been classified as a Variant of Uncertain Significance.

Ambry Genetics
Classification: Uncertain significance for Hereditary cancer-predisposing syndrome. Last evaluated: 2025-01-13. Review status: criteria provided, single submitter. Criteria: Ambry Variant Classification Scheme 2023. Collection method: clinical testing. Allele origin: germline.
Comment: The p.A13S variant (also known as c.37G>T), located in coding exon 1 of the SDHD gene, results from a G to T substitution at nucleotide position 37. The alanine at codon 13 is replaced by serine, an amino acid with similar properties. This amino acid position is not well conserved in available vertebrate species. In addition, the in silico prediction for this alteration is inconclusive. Since supporting evidence is limited at this time, the clinical significance of this alteration remains unclear.

All of Us Research Program, National Institutes of Health
Classification: Uncertain significance for Hereditary pheochromocytoma and paraganglioma. Last evaluated: 2024-01-11. Review status: criteria provided, single submitter. Criteria: ACMG Guidelines, 2015. Collection method: clinical testing. Allele origin: germline. Inheritance: Autosomal dominant inheritance. Observed: 2 variant alleles, 2 heterozygotes.
Comment: This study involves interpretation of variants in research participants for the purpose of population health screening. Participant phenotype was not available at the time of variant classification. Additional details can be found in publication PMID: 35346344, PMCID: PMC8962531

GeneDx
Classification: Uncertain significance. Last evaluated: 2023-11-19. Review status: criteria provided, single submitter. Criteria: GeneDx Variant Classification Process June 2021. Collection method: clinical testing. Allele origin: germline. Affected: yes.
Comment: Not observed at significant frequency in large population cohorts (gnomAD); In silico analysis supports that this missense variant does not alter protein structure/function; Has not been previously published as pathogenic or benign to our knowledge